The following is an entry in ClinVar:

ClinVar aggregate classification (germline): Uncertain significance (1 of 4 stars; one submission).

Allele frequency attached by ClinVar (database versions not stated): gnomAD exomes below 0.00001.

Submission:

Labcorp Genetics (formerly Invitae), Labcorp
Classification: Uncertain significance. Last evaluated: 2021-12-02. Review status: criteria provided, single submitter. Criteria: Invitae Variant Classification Sherloc (09022015). Collection method: clinical testing. Allele origin: germline.
Comment: In summary, the available evidence is currently insufficient to determine the role of this variant in disease. Therefore, it has been classified as a Variant of Uncertain Significance. Algorithms developed to predict the effect of missense changes on protein structure and function are either unavailable or do not agree on the potential impact of this missense change (SIFT: "Not Available"; PolyPhen-2: "Possibly Damaging"; Align-GVGD: "Not Available"). This variant has not been reported in the literature in individuals affected with TSEN34-related conditions. This variant is not present in population databases (gnomAD no frequency). This sequence change replaces proline with alanine at codon 72 of the TSEN34 protein (p.Pro72Ala). The proline residue is moderately conserved and there is a small physicochemical difference between proline and alanine.

NM_001077446.4(TSEN34):c.214C>G (p.Pro72Ala)

Gene: TSEN34 (tRNA splicing endonuclease subunit 34; plus strand). Cytogenetic location: 19q13.42.
Variant type: single nucleotide variant.
Coding change: c.214C>G on transcript NM_001077446.4 (MANE Select); coding-DNA position 214, C replaced by G.
Protein change: p.Pro72Ala; replaces proline 72 with alanine.
Molecular consequence: missense variant.
Genome position (GRCh38, 1-based): chr19:54,191,578, C>G. VCF-style: chr19-54191578-C-G. GRCh37 (hg19) VCF-style: chr19-54695429-C-G.
Other names: c.214C>G, p.Pro72Ala (NM_001282332.2, NM_001282333.2, NM_001386740.1 and 1 more transcripts); short protein forms P72A.
Identifiers: ClinVar variation 1500326 (VCV001500326.6), dbSNP rs2076700377, ClinGen allele CA407762286.